The following is an entry in ClinVar:

NM_022489.4(INF2):c.3744C>T (p.Ile1248=)

Gene: INF2 (inverted formin 2; plus strand). Cytogenetic location: 14q32.33.
Variant type: single nucleotide variant.
Coding change: c.3744C>T on transcript NM_022489.4 (MANE Select); coding-DNA position 3744, C replaced by T.
Protein change: p.Ile1248=; no amino-acid change (isoleucine 1248 retained).
Molecular consequence: synonymous variant. On other transcripts: intron variant (1).
Genome position (GRCh38, 1-based): chr14:104,715,333, C>T. VCF-style: chr14-104715333-C-T. GRCh37 (hg19) VCF-style: chr14-105181670-C-T.
Other names: p.Ile1248=; c.3694+477C>T (NM_001031714.4).
Identifiers: ClinVar variation 472864 (VCV000472864.15), dbSNP rs765432583, ClinGen allele CA7373381.

ClinVar aggregate classification (germline): Benign/Likely benign. Review status: criteria provided, multiple submitters, no conflicts (2 of 4 stars). 3 submissions from 3 submitters: Benign (1); Likely benign (2). Last evaluated 2026-01-27.

Conditions:
Focal segmental glomerulosclerosis 5 (FSGS5). Identifiers: Orphanet 656, MedGen C2750475, MONDO:0013191, OMIM 613237.
Charcot-Marie-Tooth disease dominant intermediate E. Also called: CHARCOT-MARIE-TOOTH NEUROPATHY WITH FOCAL SEGMENTAL GLOMERULONEPHRITIS. Identifiers: Orphanet 93114, MedGen C4302667, MONDO:0013758, OMIM 614455.

Allele frequency attached by ClinVar (database versions not stated): gnomAD exomes 0.00001 and 0.00010; gnomAD 0.00009; ExAC 0.00011; TOPMed 0.00013; 1000 Genomes Project 30x 0.00016.
gnomAD v4.1: 104 of 1,613,390 alleles (0.0064%); highest among the groups gnomAD compares: East Asian, 0.036%; 2 homozygotes.

Submissions (3):

Labcorp Genetics (formerly Invitae), Labcorp
Classification: Likely benign for Charcot-Marie-Tooth disease dominant intermediate E; Focal segmental glomerulosclerosis 5. Last evaluated: 2026-01-27. Review status: criteria provided, single submitter. Criteria: Invitae Variant Classification Sherloc (09022015). Collection method: clinical testing. Allele origin: germline.

Mayo Clinic Laboratories, Mayo Clinic
Classification: Benign. Last evaluated: 2024-12-30. Review status: criteria provided, single submitter. Criteria: ACMG Guidelines, 2015. Collection method: clinical testing. Allele origin: germline. Observed: 1 variant allele.
Comment: BS1, BS2, BP4, BP7

Blueprint Genetics
Classification: Likely benign. Last evaluated: 2024-11-27. Review status: criteria provided, single submitter. Criteria: ACMG Guidelines, 2015. Collection method: clinical testing. Allele origin: germline.